The following is an entry in ClinVar:

ClinVar aggregate classification (germline): Uncertain significance (0 of 4 stars; one submission).

Conditions:
Autism (AUTS). Also called: Autistic disorder of childhood onset; Autistic disorder. Identifiers: MedGen C0004352, MeSH D001321, MONDO:0005260, OMIM 209850, HP:0000717.

Submission:

Centre for Addiction & Mental Health
Classification: Uncertain significance for Autism. Review status: no assertion criteria provided. Collection method: research. Allele origin: de novo. Affected: yes. Observed: 1 heterozygote. Segregation with disease not observed.
Comment: Gene not previously associated with disease; independent supportng evidence needed

NM_005381.3(NCL):c.1991del (p.Gly664fs)

Gene: NCL (nucleolin; minus strand). Cytogenetic location: 2q37.1.
Variant type: Deletion.
Coding change: c.1991del on transcript NM_005381.3 (MANE Select); coding-DNA position 1991, one base deleted (G; older notation c.1991delG).
Protein change: p.Gly664fs; shifts the reading frame from glycine 664.
Molecular consequence: frameshift variant.
Genome position (GRCh38, 1-based): chr2:231,455,466, C deleted on the plus strand (G on the coding strand, the reverse complement: NCL is on the minus strand); the first of 2 consecutive C bases (chr2:231,455,466-231,455,467); deleting either gives the same sequence. VCF-style (leftmost placement, unchanged base first): chr2-231455465-TC-T. GRCh37 (hg19) VCF-style: chr2-232320176-TC-T.
Other names: c.1991delG (NM_005381.3); short protein forms G664fs.
Identifiers: ClinVar variation 3338198 (VCV003338198.2).
Genomic context (GRCh38, chr2:231,455,465, plus strand): 5'-AAAGCCTCCCCGGCCTCTGCCACCAAATCCTCCTCGGCCTCCTCTACCACCACCTCGTCC[TC>T]CAAAGCCGCCTCTGCCTCCACCACGACCCCCGAAGCCACCTTCACCCTTAGGTTTGGCCC-3'